The following is an entry in ClinVar:

NM_018669.6(WDR4):c.976T>A (p.Ser326Thr)

Gene: WDR4 (WDR4 tRNA N7-guanosine methyltransferase non-catalytic subunit; minus strand). Cytogenetic location: 21q22.3.
Variant type: single nucleotide variant.
Coding change: c.976T>A on transcript NM_018669.6 (MANE Select); coding-DNA position 976, T replaced by A.
Protein change: p.Ser326Thr; replaces serine 326 with threonine.
Molecular consequence: missense variant. On other transcripts: non-coding transcript variant (1).
Genome position (GRCh38, 1-based): chr21:42,852,324, A>T on the plus strand (T>A on the coding strand, the complement: WDR4 is on the minus strand). VCF-style: chr21-42852324-A-T. GRCh37 (hg19) VCF-style: chr21-44272434-A-T.
Other names: c.973T>A, p.Ser325Thr (NM_001260474.2); c.538T>A, p.Ser180Thr (NM_001260475.2, NM_001260476.2, NM_001260477.2 and 1 more transcripts); c.976T>A, p.Ser326Thr (NM_033661.5); short protein forms S325T, S180T, S326T.
Identifiers: ClinVar variation 2033616 (VCV002033616.3), dbSNP rs2516968975, ClinGen allele CA410387867.
Genomic context (GRCh38, chr21:42,852,324, plus strand): 5'-TGGCCCAGTTCCCACGAAGAACACCAGAGACTTTCTTTAACACGGTGCTCTCAGGAACAG[A>T]CTGCAGGCGACAAACAGGAAATCTTCATCAGAAAGAGGCAGGCCTGGAAACCCAGCACCA-3'
Protein context (NP_061139.2, residues 316-336): LYRPVGDQWQ[Ser326Thr]VPESTVLKKV

ClinVar aggregate classification (germline): Uncertain significance (1 of 4 stars; one submission).

Submission:

Labcorp Genetics (formerly Invitae), Labcorp
Classification: Uncertain significance. Last evaluated: 2022-10-01. Review status: criteria provided, single submitter. Criteria: Invitae Variant Classification Sherloc (09022015). Collection method: clinical testing. Allele origin: germline.
Comment: This sequence change replaces serine, which is neutral and polar, with threonine, which is neutral and polar, at codon 326 of the WDR4 protein (p.Ser326Thr). This variant is not present in population databases (gnomAD no frequency). This variant has not been reported in the literature in individuals affected with WDR4-related conditions. Algorithms developed to predict the effect of missense changes on protein structure and function (SIFT, PolyPhen-2, Align-GVGD) all suggest that this variant is likely to be tolerated. In summary, the available evidence is currently insufficient to determine the role of this variant in disease. Therefore, it has been classified as a Variant of Uncertain Significance.